The following is an entry in ClinVar:

NM_025114.4(CEP290):c.6522+6_6522+7insA

Gene: CEP290 (centrosomal protein 290; minus strand). Cytogenetic location: 12q21.32.
Variant type: Insertion.
Coding change: c.6522+6_6522+7insA on transcript NM_025114.4 (MANE Select); bases 6 to 7 of the intron after coding-DNA position 6522, A inserted.
Molecular consequence: intron variant.
Genome position: GRCh38 VCF-style: chr12-88060823-A-AT. GRCh37 (hg19) VCF-style: chr12-88454600-A-AT.
Other names: c.6522+6_6522+7insA (NM_025114.3).
Identifiers: ClinVar variation 1093827 (VCV001093827.10), dbSNP rs748258476, ClinGen allele CA606675631.

ClinVar aggregate classification (germline): Conflicting classifications of pathogenicity. Review status: criteria provided, conflicting classifications (1 of 4 stars). 3 submissions from 3 submitters: Uncertain significance (1); Likely benign (2). Last evaluated 2026-04-30.

Conditions:
CEP290-related ciliopathy. Also called: CEP290 ciliopathy. Identifiers: MedGen CN305601, MONDO:0100451.
CEP290-related disorder. Also called: CEP290-related disorders; CEP290-related condition. Identifiers: MedGen CN239314.
Nephronophthisis. Also called: Juvenile Nephronophthisis. Identifiers: Orphanet 655, MedGen C0687120, MONDO:0019005, HP:0000090.
Meckel-Gruber syndrome. Also called: Dysencephalia splachnocystica; DYSENCEPHALIA SPLANCHNOCYSTICA; GRUBER SYNDROME. Identifiers: Orphanet 564, MedGen C0265215, MONDO:0018921.
Joubert syndrome. Also called: JOUBERT-BOLTSHAUSER SYNDROME; Familial aplasia of the vermis. Identifiers: Orphanet 475, MedGen C5979921, MONDO:0018772.

Allele frequency attached by ClinVar (database versions not stated): gnomAD exomes 0.00002.

Submissions (3):

Myriad Genetics, Inc.
Classification: Uncertain significance for CEP290-related ciliopathy. Last evaluated: 2026-04-30. Review status: criteria provided, single submitter. Criteria: Myriad Autosomal Dominant, Autosomal Recessive and X-Linked Classification Criteria (2023). Collection method: clinical testing. Allele origin: unknown.
Comment: NM_025114.3(CEP290):c.6522+6_6522+7insA is an intronic variant classified as a variant of uncertain significance in the context of CEP290-related disorders. c.6522+6_6522+7insA has not been observed in cases with relevant disease. Relevant functional assessments of this variant are not available in the literature. c.6522+6_6522+7insA has been observed in referenced population frequency databases. In summary, there is insufficient evidence to classify NM_025114.3(CEP290):c.6522+6_6522+7insA as pathogenic or benign. Please note: this variant was assessed in the context of healthy population screening.

PreventionGenetics, part of Exact Sciences
Classification: Likely benign for CEP290-related condition. Last evaluated: 2025-10-02. Review status: criteria provided, single submitter. Criteria: ACMG Guidelines, 2015. Collection method: clinical testing. Allele origin: germline.
Comment: This variant is classified as likely benign based on ACMG/AMP sequence variant interpretation guidelines (Richards et al. 2015 PMID: 25741868, with internal and published modifications).

Labcorp Genetics (formerly Invitae), Labcorp
Classification: Likely benign for Joubert syndrome; Meckel-Gruber syndrome; Nephronophthisis. Last evaluated: 2023-02-01. Review status: criteria provided, single submitter. Criteria: Invitae Variant Classification Sherloc (09022015). Collection method: clinical testing. Allele origin: germline.